The following is an entry in ClinVar:

ClinVar aggregate classification (germline): Uncertain significance. Review status: criteria provided, multiple submitters, no conflicts (2 of 4 stars). 2 submissions from 2 submitters: Uncertain significance (2). Last evaluated 2024-09-28.

Conditions:
Hereditary cancer-predisposing syndrome. Also called: Neoplastic Syndromes, Hereditary; Tumor predisposition; Hereditary Cancer Syndrome; Hereditary neoplastic syndrome. Identifiers: Orphanet 140162, MedGen C0027672, MeSH D009386, MONDO:0015356.
Familial melanoma. Also called: Hereditary melanoma; Hereditary cutaneous melanoma. Identifiers: Orphanet 618, MedGen C1512419, MONDO:0018961.

Allele frequency attached by ClinVar (database versions not stated): ExAC 0.00001.

Submissions (2):

Labcorp Genetics (formerly Invitae), Labcorp
Classification: Uncertain significance for Familial melanoma. Last evaluated: 2024-09-28. Review status: criteria provided, single submitter. Criteria: Invitae Variant Classification Sherloc (09022015). Collection method: clinical testing. Allele origin: germline.
Comment: This sequence change replaces proline, which is neutral and non-polar, with arginine, which is basic and polar, at codon 234 of the CDK4 protein (p.Pro234Arg). This variant is present in population databases (rs771702415, gnomAD 0.007%). This variant has not been reported in the literature in individuals affected with CDK4-related conditions. ClinVar contains an entry for this variant (Variation ID: 1756713). Invitae Evidence Modeling of protein sequence and biophysical properties (such as structural, functional, and spatial information, amino acid conservation, physicochemical variation, residue mobility, and thermodynamic stability) indicates that this missense variant is not expected to disrupt CDK4 protein function with a negative predictive value of 95%. In summary, the available evidence is currently insufficient to determine the role of this variant in disease. Therefore, it has been classified as a Variant of Uncertain Significance.

Ambry Genetics
Classification: Uncertain significance for Hereditary cancer-predisposing syndrome. Last evaluated: 2024-01-14. Review status: criteria provided, single submitter. Criteria: Ambry Variant Classification Scheme 2023. Collection method: clinical testing. Allele origin: germline.
Comment: The p.P234R variant (also known as c.701C>G), located in coding exon 6 of the CDK4 gene, results from a C to G substitution at nucleotide position 701. The proline at codon 234 is replaced by arginine, an amino acid with dissimilar properties. This amino acid position is well conserved in available vertebrate species. In addition, this alteration is predicted to be tolerated by in silico analysis. Since supporting evidence is limited at this time, the clinical significance of this alteration remains unclear.

NM_000075.4(CDK4):c.701C>G (p.Pro234Arg)

Genes: CDK4 (cyclin dependent kinase 4; minus strand), TSPAN31 (tetraspanin 31; plus strand). Cytogenetic location: 12q14.1.
Variant type: single nucleotide variant.
Coding change: c.701C>G on transcript NM_000075.4 (MANE Select); coding-DNA position 701, C replaced by G.
Protein change: p.Pro234Arg; replaces proline 234 with arginine.
Molecular consequence: missense variant. On other transcripts: 3 prime UTR variant (3).
Genome position (GRCh38, 1-based): chr12:57,749,300, G>C on the plus strand (C>G on the coding strand, the complement: CDK4 is on the minus strand). VCF-style: chr12-57749300-G-C. GRCh37 (hg19) VCF-style: chr12-58143083-G-C.
Other names: c.*2010G>C (NM_001330168.2, NM_001330169.2, NM_005981.5); short protein forms P234R.
Identifiers: ClinVar variation 1756713 (VCV001756713.4), dbSNP rs771702415, ClinGen allele CA6657703.
Genomic context (GRCh38, chr12:57,749,300, plus strand): 5'-GGCCCTCTGGGGGGAAAGGCTCCACGGGGCAGGGATACATCTCGAGGCCAGTCATCCTCT[G>C]GAGGCAGCCCAATCAGGCTGTGGGGGACAGGAGAACTCTGGTCAGGAGGGTCCTCCAGTT-3'
Protein context (NP_000066.1, residues 224-244): GKIFDLIGLP[Pro234Arg]EDDWPRDVSL